The following is an entry in ClinVar:

ClinVar aggregate classification (germline): Likely benign (1 of 4 stars; one submission).

gnomAD v4.1: 11 of 1,592,176 alleles (0.00069%); highest among the groups gnomAD compares: East Asian, 0.0023%; no homozygotes.

Submission:

CeGaT Center for Human Genetics Tuebingen
Classification: Likely benign. Last evaluated: 2025-02-01. Review status: criteria provided, single submitter. Criteria: CeGaT Center For Human Genetics Tuebingen Variant Classification Criteria Version 2. Collection method: clinical testing. Allele origin: germline. Affected: yes. Observed: 1 variant allele.
Comment: MUC5B: BP4

NM_002458.3(MUC5B):c.980G>A (p.Arg327Gln)

Gene: MUC5B (mucin 5B, oligomeric mucus/gel-forming; plus strand). Cytogenetic location: 11p15.5.
Variant type: single nucleotide variant.
Coding change: c.980G>A on transcript NM_002458.3 (MANE Select); coding-DNA position 980, G replaced by A.
Protein change: p.Arg327Gln; replaces arginine 327 with glutamine.
Molecular consequence: missense variant.
Genome position (GRCh38, 1-based): chr11:1,229,173, G>A. VCF-style: chr11-1229173-G-A. GRCh37 (hg19) VCF-style: chr11-1250403-G-A.
Other names: short protein forms R327Q.
Identifiers: ClinVar variation 3778172 (VCV003778172.7).